The following is an entry in ClinVar:

ClinVar aggregate classification (germline): Conflicting classifications of pathogenicity. Review status: criteria provided, conflicting classifications (1 of 4 stars). 2 submissions from 2 submitters: Uncertain significance (1); Likely benign (1). Last evaluated 2024-10-29.

Conditions:
Pontocerebellar hypoplasia type 9. Identifiers: Orphanet 369920, MedGen C4014354, MONDO:0014351, OMIM 615809.
Hereditary spastic paraplegia 63. Also called: Spastic paraplegia 63, autosomal recessive. Identifiers: Orphanet 401805, MedGen C3810295, MONDO:0014305, OMIM 615686.
Inborn genetic diseases. Identifiers: MedGen C0950123, MeSH D030342.

Allele frequency attached by ClinVar (database versions not stated): ExAC 0.00001; gnomAD exomes 0.00002.
gnomAD v4.1: 5 of 1,613,668 alleles (0.00031%); highest among the groups gnomAD compares: Admixed American, 0.0067%; no homozygotes.

Submissions (2):

Labcorp Genetics (formerly Invitae), Labcorp
Classification: Likely benign for Pontocerebellar hypoplasia type 9; Hereditary spastic paraplegia 63. Last evaluated: 2024-10-29. Review status: criteria provided, single submitter. Criteria: Invitae Variant Classification Sherloc (09022015). Collection method: clinical testing. Allele origin: germline.

Ambry Genetics
Classification: Uncertain significance for Inborn genetic diseases. Last evaluated: 2022-02-22. Review status: criteria provided, single submitter. Criteria: Ambry Variant Classification Scheme 2023. Collection method: clinical testing. Allele origin: germline.
Comment: The c.385-5C>A intronic alteration consists of a C to A substitution 5 nucleotides before exon 3 of the AMPD2 gene. Based on insufficient or conflicting evidence, the clinical significance of this alteration remains unclear.

NM_001368809.2(AMPD2):c.223-5C>A

Gene: AMPD2 (adenosine monophosphate deaminase 2; plus strand). Cytogenetic location: 1p13.3.
Variant type: single nucleotide variant.
Coding change: c.223-5C>A on transcript NM_001368809.2 (MANE Select); 5 bases into the intron before coding-DNA position 223, C replaced by A.
Molecular consequence: intron variant.
Genome position (GRCh38, 1-based): chr1:109,625,657, C>A. VCF-style: chr1-109625657-C-A. GRCh37 (hg19) VCF-style: chr1-110168279-C-A.
Other names: c.385-5C>A (NM_004037.6); c.142-5C>A (NM_139156.4); c.160-5C>A (NM_001308170.1); c.223-5C>A (NM_004037.9); c.31-5C>A (NM_001257361.2).
Identifiers: ClinVar variation 1613636 (VCV001613636.9), dbSNP rs764953041, ClinGen allele CA992733.
Genomic context (GRCh38, chr1:109,625,657, plus strand): 5'-GACTCTGTAGGAGAGTGCCCGAGGGCGGAGGGCCAGCCATGCTGACCTTCCTTCCCTCCC[C>A]CCAGGAGCTGTTCACCCGCTCACTGGCTGAGAGCGAGCTCCGTAGTGCCCCGTATGAGTT-3'